The following is an entry in ClinVar:

ClinVar aggregate classification (germline): Likely benign (0 of 4 stars; one submission).

Conditions:
PKD1-related disorder. Also called: PKD1-related condition.

Submission:

PreventionGenetics, part of Exact Sciences
Classification: Likely benign for PKD1-related condition. Last evaluated: 2023-08-05. Review status: no assertion criteria provided. Collection method: clinical testing. Allele origin: germline.
Comment: This variant is classified as likely benign based on ACMG/AMP sequence variant interpretation guidelines (Richards et al. 2015 PMID: 25741868, with internal and published modifications).

NM_001009944.3(PKD1):c.2574G>T (p.Thr858=)

Gene: PKD1 (polycystin 1, transient receptor potential channel interacting; minus strand). Cytogenetic location: 16p13.3.
Variant type: single nucleotide variant.
Coding change: c.2574G>T on transcript NM_001009944.3 (MANE Select); coding-DNA position 2574, G replaced by T.
Protein change: p.Thr858=; no amino-acid change (threonine 858 retained).
Molecular consequence: synonymous variant.
Genome position (GRCh38, 1-based): chr16:2,114,449, C>A on the plus strand (G>T on the coding strand, the complement: PKD1 is on the minus strand). VCF-style: chr16-2114449-C-A. GRCh37 (hg19) VCF-style: chr16-2164450-C-A.
Other names: c.2574G>T, p.Thr858= (NM_000296.4).
Identifiers: ClinVar variation 3047946 (VCV003047946.2), dbSNP rs765756572, ClinGen allele CA493049590.